The following is an entry in ClinVar:

ClinVar aggregate classification (germline): Conflicting classifications of pathogenicity. Review status: criteria provided, conflicting classifications (1 of 4 stars). 4 submissions from 4 submitters: Uncertain significance (2); Likely benign (2). Last evaluated 2025-11-24.

Conditions:
Connective tissue disorder. Also called: Connective tissue disease. Identifiers: MedGen C0009782, MONDO:0003900.

Allele frequency attached by ClinVar (database versions not stated): ESP Exome Variant Server 0.00077; 1000 Genomes Project 30x 0.00078; 1000 Genomes Project 0.00080; gnomAD exomes 0.00004 and 0.00013; ExAC 0.00016; gnomAD 0.00044 and 0.00048; TOPMed 0.00046.
gnomAD v4.1: 127 of 1,614,204 alleles (0.0079%); highest among the groups gnomAD compares: African/African-American, 0.14%; no homozygotes.

Submissions (4):

Labcorp Genetics (formerly Invitae), Labcorp
Classification: Likely benign. Last evaluated: 2025-11-24. Review status: criteria provided, single submitter. Criteria: Invitae Variant Classification Sherloc (09022015). Collection method: clinical testing. Allele origin: germline.

GeneDx
Classification: Uncertain significance. Last evaluated: 2025-03-24. Review status: criteria provided, single submitter. Criteria: GeneDx Variant Classification Process June 2021. Collection method: clinical testing. Allele origin: germline. Affected: yes.
Comment: Has not been previously published as pathogenic or benign to our knowledge; In silico analysis indicates that this missense variant does not alter protein structure/function

Genome Diagnostics Laboratory, The Hospital for Sick Children
Classification: Likely benign for Connective tissue disorder. Last evaluated: 2020-11-24. Review status: criteria provided, single submitter. Criteria: ACMG Guidelines, 2015. Collection method: clinical testing. Allele origin: germline.

Eurofins Ntd Llc (ga)
Classification: Uncertain significance. Last evaluated: 2018-01-02. Review status: criteria provided, single submitter. Criteria: EGL Classification Definitions 2015. Collection method: clinical testing. Allele origin: germline. Observed: 1 variant allele, 1 heterozygote.

NM_001457.4(FLNB):c.6173A>G (p.Lys2058Arg)

Gene: FLNB (filamin B; plus strand). Cytogenetic location: 3p14.3.
Variant type: single nucleotide variant.
Coding change: c.6173A>G on transcript NM_001457.4 (MANE Select); coding-DNA position 6173, A replaced by G.
Protein change: p.Lys2058Arg; replaces lysine 2058 with arginine.
Molecular consequence: missense variant.
Genome position (GRCh38, 1-based): chr3:58,149,931, A>G. VCF-style: chr3-58149931-A-G. GRCh37 (hg19) VCF-style: chr3-58135658-A-G.
Other names: c.6266A>G, p.Lys2089Arg (NM_001164317.2); c.6140A>G, p.Lys2047Arg (NM_001164318.2); c.6101A>G, p.Lys2034Arg (NM_001164319.2); short protein forms K2058R, K2034R, K2047R, K2089R.
Identifiers: ClinVar variation 418967 (VCV000418967.19), dbSNP rs141698427, ClinGen allele CA2469266.